The following is an entry in ClinVar:

NM_004186.5(SEMA3F):c.528G>A (p.Pro176=)

Gene: SEMA3F (semaphorin 3F; plus strand). Cytogenetic location: 3p21.31.
Variant type: single nucleotide variant.
Coding change: c.528G>A on transcript NM_004186.5 (MANE Select); coding-DNA position 528, G replaced by A.
Protein change: p.Pro176=; no amino-acid change (proline 176 retained).
Molecular consequence: synonymous variant. On other transcripts: intron variant (2).
Genome position (GRCh38, 1-based): chr3:50,175,167, G>A. VCF-style: chr3-50175167-G-A. GRCh37 (hg19) VCF-style: chr3-50212600-G-A.
Other names: c.252+817G>A (NM_001318798.2); c.456+817G>A (NM_001318800.2).
Identifiers: ClinVar variation 5001011 (VCV005001011.1).
Genomic context (GRCh38, chr3:50,175,167, plus strand): 5'-GACCCAGACTCAGGCGGTCAGAGGCCGCGGCAGCAGAGCCACGGATGGTGCCCTCCGCCC[G>A]ATGCCCACAGCCCCACGCCAGGTGGGCCTCATCCCTCCAGGCCTTTGCCAGGCAGCACTG-3'
Protein context (NP_004177.3, residues 166-186): GSRATDGALR[Pro176=]MPTAPRQDYI

ClinVar aggregate classification (germline): Likely benign (1 of 4 stars; one submission).

Conditions:
SEMA3F-related disorder. Also called: SEMA3F-related condition.

gnomAD v4.1: 9 of 1,603,086 alleles (0.00056%); highest among the groups gnomAD compares: East Asian, 0.0023%; no homozygotes.

Submission:

PreventionGenetics, part of Exact Sciences
Classification: Likely benign for SEMA3F-related condition. Last evaluated: 2025-07-22. Review status: criteria provided, single submitter. Criteria: ACMG Guidelines, 2015. Collection method: clinical testing. Allele origin: germline.
Comment: This variant is classified as likely benign based on ACMG/AMP sequence variant interpretation guidelines (Richards et al. 2015 PMID: 25741868, with internal and published modifications).